The following is an entry in ClinVar:

NM_001267550.1(TTN):c.38130_38153del

Gene: TTN (titin; minus strand). Cytogenetic location: 2q31.2.
Variant type: Deletion.
Coding change: c.38130_38153del on transcript NM_001267550.1; coding-DNA positions 38130 to 38153, 24 bases deleted (GGTGCCAAAGGCAGCTGTCCCAGA).
Molecular consequence: intron variant (on NM_003319.4).
Genome position (GRCh38, 1-based): chr2:178,654,798-178,654,821, TCTGGGACAGCTGCCTTTGGCACC deleted on the plus strand (GGTGCCAAAGGCAGCTGTCCCAGA on the coding strand, the reverse complement: TTN is on the minus strand); deleting any 24 consecutive bases within chr2:178,654,798-178,654,829 gives the same sequence; the c. name uses the placement nearest the transcript's 3' end. VCF-style (leftmost placement, unchanged base first): chr2-178654797-TTCTGGGACAGCTGCCTTTGGCACC-T. GRCh37 (hg19) VCF-style: chr2-179519524-TTCTGGGACAGCTGCCTTTGGCACC-T.
Other names: c.13283-12504_13283-12481del (NM_003319.4); c.13859-12504_13859-12481del (NM_133437.4); c.13658-12504_13658-12481del (NM_133432.3); c.31742-2280_31742-2257del (NM_133378.4); c.34523-2280_34523-2257del (NM_001256850.1).
Identifiers: ClinVar variation 4975453 (VCV004975453.1).

ClinVar aggregate classification (germline): Uncertain significance (1 of 4 stars; one submission).

Submission:

GeneDx
Classification: Uncertain significance. Last evaluated: 2026-01-26. Review status: criteria provided, single submitter. Criteria: GeneDx Variant Classification Process June 2021. Collection method: clinical testing. Allele origin: germline.
Comment: In-frame deletion of 8 amino acids in a non-repeat region; Not observed at significant frequency in large population cohorts (gnomAD); Has not been previously published as pathogenic or benign to our knowledge